The following is an entry in ClinVar:

NM_001039141.3(TRIOBP):c.3412G>A (p.Asp1138Asn)

Gene: TRIOBP (TRIO and F-actin binding protein; plus strand). Cytogenetic location: 22q13.1.
Variant type: single nucleotide variant.
Coding change: c.3412G>A on transcript NM_001039141.3 (MANE Select); coding-DNA position 3412, G replaced by A.
Protein change: p.Asp1138Asn; replaces aspartic acid 1138 with asparagine.
Molecular consequence: missense variant.
Genome position (GRCh38, 1-based): chr22:37,725,968, G>A. VCF-style: chr22-37725968-G-A. GRCh37 (hg19) VCF-style: chr22-38121975-G-A.
Other names: short protein forms D1138N.
Identifiers: ClinVar variation 3365530 (VCV003365530.2).

ClinVar aggregate classification (germline): Uncertain significance. Review status: criteria provided, multiple submitters, no conflicts (2 of 4 stars). 2 submissions from 2 submitters: Uncertain significance (2). Last evaluated 2025-12-24.

Conditions:
Inborn genetic diseases. Identifiers: MedGen C0950123, MeSH D030342.

Submissions (2):

Ambry Genetics
Classification: Uncertain significance for Inborn genetic diseases. Last evaluated: 2025-12-24. Review status: criteria provided, single submitter. Criteria: Ambry Variant Classification Scheme 2023. Collection method: clinical testing. Allele origin: germline.

GeneDx
Classification: Uncertain significance. Last evaluated: 2023-12-18. Review status: criteria provided, single submitter. Criteria: GeneDx Variant Classification Process June 2021. Collection method: clinical testing. Allele origin: germline. Affected: yes.
Comment: Not observed at significant frequency in large population cohorts (gnomAD); In silico analysis supports that this missense variant does not alter protein structure/function; Has not been previously published as pathogenic or benign to our knowledge